The following is an entry in ClinVar:

ClinVar aggregate classification (germline): Benign/Likely benign. Review status: criteria provided, multiple submitters, no conflicts (2 of 4 stars). 2 submissions from 2 submitters: Benign (1); Likely benign (1). Last evaluated 2024-10-18.

Conditions:
Hereditary leiomyomatosis and renal cell cancer. Also called: MULTIPLE CUTANEOUS AND UTERINE LEIOMYOMATA 1, WITH OR WITHOUT RENAL CELL CARCINOMA; LEIOMYOMA, MULTIPLE CUTANEOUS; Reed syndrome; Multiple cutaneous and uterine leiomyomatosis; Cutaneous leiomyomata with uterine leiomyomata; Leiomyoma, hereditary multiple, of skin. Identifiers: Orphanet 523, MedGen C1708350, MONDO:0007888, OMIM 150800, HP:0007437. Disease mechanism: loss of function.
Hereditary cancer-predisposing syndrome. Also called: Neoplastic Syndromes, Hereditary; Tumor predisposition; Hereditary Cancer Syndrome; Hereditary neoplastic syndrome. Identifiers: Orphanet 140162, MedGen C0027672, MeSH D009386, MONDO:0015356.

Submissions (2):

Myriad Genetics, Inc.
Classification: Benign for Hereditary leiomyomatosis and renal cell cancer. Last evaluated: 2024-10-18. Review status: criteria provided, single submitter. Criteria: Myriad Autosomal Dominant, Autosomal Recessive and X-Linked Classification Criteria (2023). Collection method: clinical testing. Allele origin: unknown.
Comment: This variant is considered benign. This variant is a silent/synonymous amino acid change and it is not expected to impact splicing.

Ambry Genetics
Classification: Likely benign for Hereditary cancer-predisposing syndrome. Last evaluated: 2023-12-13. Review status: criteria provided, single submitter. Criteria: Ambry Variant Classification Scheme 2023. Collection method: clinical testing. Allele origin: germline.

NM_000143.4(FH):c.498A>T (p.Gly166=)

Gene: FH (fumarate hydratase; minus strand). Cytogenetic location: 1q43.
Variant type: single nucleotide variant.
Coding change: c.498A>T on transcript NM_000143.4 (MANE Select); coding-DNA position 498, A replaced by T.
Protein change: p.Gly166=; no amino-acid change (glycine 166 retained).
Molecular consequence: synonymous variant.
Genome position (GRCh38, 1-based): chr1:241,512,024, T>A on the plus strand (A>T on the coding strand, the complement: FH is on the minus strand). VCF-style: chr1-241512024-T-A. GRCh37 (hg19) VCF-style: chr1-241675324-T-A.
Identifiers: ClinVar variation 3230449 (VCV003230449.2), dbSNP rs2147921845, ClinGen allele CA424076287.